The following is an entry in ClinVar:

NM_004006.3(DMD):c.4649T>A (p.Leu1550Ter)

Gene: DMD (dystrophin; minus strand). Cytogenetic location: Xp21.1.
Variant type: single nucleotide variant.
Coding change: c.4649T>A on transcript NM_004006.3 (MANE Select); coding-DNA position 4649, T replaced by A.
Protein change: p.Leu1550Ter; replaces leucine 1550 with a stop codon.
Molecular consequence: nonsense.
Genome position (GRCh38, 1-based): chrX:32,386,335, A>T on the plus strand (T>A on the coding strand, the complement: DMD is on the minus strand). VCF-style: chrX-32386335-A-T. GRCh37 (hg19) VCF-style: chrX-32404452-A-T.
Other names: c.4625T>A, p.Leu1542Ter (NM_000109.4); c.4637T>A, p.Leu1546Ter (NM_004009.3); c.4280T>A, p.Leu1427Ter (NM_004010.3); c.626T>A, p.Leu209Ter (NM_004011.4); c.617T>A, p.Leu206Ter (NM_004012.4); short protein forms L1427*, L1542*, L1546*, L1550*, L206*, L209*.
Identifiers: ClinVar variation 983944 (VCV000983944.4), dbSNP rs2097958158, ClinGen allele CA412662522.

ClinVar aggregate classification (germline): Likely pathogenic (1 of 4 stars; one submission).

Conditions:
Progressive muscular dystrophy. Identifiers: Orphanet 206644, MedGen C4551827, MONDO:0016106.

Submission:

Myriad Genetics, Inc.
Classification: Likely pathogenic for Progressive muscular dystrophy. Last evaluated: 2020-03-08. Review status: criteria provided, single submitter. Criteria: Myriad Autosomal Dominant, Autosomal Recessive and X-Linked Classification Criteria (2023). Collection method: clinical testing. Allele origin: unknown.
Comment: NM_004006.2(DMD):c.4649T>A(L1550*) is expected to be pathogenic in the context of dystrophinopathy (including Duchenne/Becker muscular dystrophy). This variant is predicted to lead to an abnormal or absent protein product due to the creation of a premature termination codon in DMD, a gene where loss-of-function variants are known to be pathogenic. Please note: this variant was assessed in the context of healthy population screening.